The following is an entry in ClinVar:

NM_022437.3(ABCG8):c.161A>G (p.Tyr54Cys)

Gene: ABCG8 (ATP binding cassette subfamily G member 8; plus strand). Cytogenetic location: 2p21.
Variant type: single nucleotide variant.
Coding change: c.161A>G on transcript NM_022437.3 (MANE Select); coding-DNA position 161, A replaced by G.
Protein change: p.Tyr54Cys; replaces tyrosine 54 with cysteine.
Molecular consequence: missense variant.
Genome position (GRCh38, 1-based): chr2:43,844,604, A>G. VCF-style: chr2-43844604-A-G. GRCh37 (hg19) VCF-style: chr2-44071743-A-G.
Other names: c.161A>G, p.Tyr54Cys (NM_001357321.2); short protein forms Y54C.
Identifiers: ClinVar variation 288558 (VCV000288558.34), dbSNP rs4148211, ClinGen allele CA1636901.
Genomic context (GRCh38, chr2:43,844,604, plus strand): 5'-ACAGCCTGTACTTCACCTACAGTGGCCAGCCCAACACCCTGGAGGTCAGAGACCTCAACT[A>G]CCAGGTAGAGGCACGCCTGGGTTCAAGGGGAGAGGAGCAGGCAGGGACAGCCAGGAAATT-3'
Protein context (NP_071882.1, residues 44-64): PNTLEVRDLN[Tyr54Cys]QVDLASQVPW

ClinVar aggregate classification (germline): Benign/Likely benign. Review status: criteria provided, multiple submitters, no conflicts (2 of 4 stars). 14 submissions from 14 submitters: Benign (10); Likely benign (1). 3 of the submissions do not count toward it. Last evaluated 2026-02-04.

Conditions:
Sitosterolemia 1. Identifiers: MedGen C2749759, MONDO:0020747, OMIM 210250.
Cardiovascular phenotype. Identifiers: MedGen CN230736.

Allele frequency attached by ClinVar (database versions not stated): ESP Exome Variant Server 0.32085; TOPMed 0.34255; gnomAD 0.34608 and 0.35855; gnomAD exomes 0.40730 and 0.42889; 1000 Genomes Project 30x 0.41771; ExAC 0.42872; 1000 Genomes Project 0.43470.
gnomAD v4.1: 647,654 of 1,609,778 alleles (40%); highest among the groups gnomAD compares: East Asian, 85%; 138,441 homozygotes.

Submissions (14):

Labcorp Genetics (formerly Invitae), Labcorp
Classification: Benign. Last evaluated: 2026-02-04. Review status: criteria provided, single submitter. Criteria: Invitae Variant Classification Sherloc (09022015). Collection method: clinical testing. Allele origin: germline.

Molecular Diagnostic Laboratory for Inherited Cardiovascular Disease, Montreal Heart Institute
Classification: Benign. Last evaluated: 2025-04-09. Review status: criteria provided, single submitter. Criteria: ACMG Guidelines, 2015. Collection method: clinical testing. Allele origin: germline. Affected: no.

Mayo Clinic Laboratories, Mayo Clinic
Classification: Benign. Last evaluated: 2025-01-07. Review status: criteria provided, single submitter. Criteria: ACMG Guidelines, 2015. Collection method: clinical testing. Allele origin: germline. Observed: 1,413 variant alleles.

Blueprint Genetics
Classification: Benign. Last evaluated: 2024-11-26. Review status: criteria provided, single submitter. Criteria: ACMG Guidelines, 2015. Collection method: clinical testing. Allele origin: germline.

Women's Health and Genetics/Laboratory Corporation of America, LabCorp
Classification: Likely benign. Last evaluated: 2023-04-04. Review status: criteria provided, single submitter. Criteria: LabCorp Variant Classification Summary - May 2015. Collection method: clinical testing. Allele origin: germline.

Genome-Nilou Lab
Classification: Benign for Sitosterolemia 1. Last evaluated: 2021-07-14. Review status: criteria provided, single submitter. Criteria: ACMG Guidelines, 2015. Collection method: clinical testing. Allele origin: germline. Affected: no.

Ambry Genetics
Classification: Benign for Cardiovascular phenotype. Last evaluated: 2018-12-11. Review status: criteria provided, single submitter. Criteria: Ambry Variant Classification Scheme 2023. Collection method: clinical testing. Allele origin: germline.

GeneDx
Classification: Benign. Last evaluated: 2018-07-05. Review status: criteria provided, single submitter. Criteria: GeneDx Variant Classification Process June 2021. Collection method: clinical testing. Allele origin: germline. Affected: yes.
Comment: This variant is associated with the following publications: (PMID: 17827468, 24498041, 20854103, 20170916)

Illumina Laboratory Services, Illumina
Classification: Benign for Sitosterolemia 1. Last evaluated: 2018-03-06. Review status: criteria provided, single submitter. Criteria: ICSL Variant Classification Criteria 13 December 2019. Collection method: clinical testing. Allele origin: germline.
Comment: This variant was observed in the ICSL laboratory as part of a predisposition screen in an ostensibly healthy population. It had not been previously curated by ICSL or reported in the Human Gene Mutation Database (HGMD: prior to June 1st, 2018), and was therefore a candidate for classification through an automated scoring system. Utilizing variant allele frequency, disease prevalence and penetrance estimates, and inheritance mode, an automated score was calculated to assess if this variant is too frequent to cause the disease. Based on the score and internal cut-off values, a variant classified as benign is not then subjected to further curation. The score for this variant resulted in a classification of benign for this disease.

Eurofins Ntd Llc (ga)
Classification: Benign. Last evaluated: 2016-07-13. Review status: criteria provided, single submitter. Criteria: EGL Classification Definitions 2015. Collection method: clinical testing. Allele origin: germline. Observed: 1 variant allele, 1 heterozygote.

Breakthrough Genomics
Classification: Benign. Review status: criteria provided, single submitter. Criteria: ACMG Guidelines, 2015. Collection method: not provided. Allele origin: germline. Inheritance: Autosomal recessive inheritance. Affected: yes.

Clinical Genetics, Academic Medical Center
Classification: Benign. Review status: no assertion criteria provided. Collection method: clinical testing. Allele origin: germline. Affected: yes. Study: VKGL Data-share Consensus. Not counted in ClinVar's aggregate classification.

Diagnostic Laboratory, Department of Genetics, University Medical Center Groningen
Classification: Benign. Review status: no assertion criteria provided. Collection method: clinical testing. Allele origin: germline. Affected: yes. Study: VKGL Data-share Consensus. Not counted in ClinVar's aggregate classification.

Joint Genome Diagnostic Labs from Nijmegen and Maastricht, Radboudumc and MUMC+
Classification: Likely benign. Review status: no assertion criteria provided. Collection method: clinical testing. Allele origin: germline. Affected: yes. Study: VKGL Data-share Consensus. Not counted in ClinVar's aggregate classification.